The following is an entry in ClinVar:

ClinVar aggregate classification (germline): Uncertain significance. Review status: criteria provided, multiple submitters, no conflicts (2 of 4 stars). 2 submissions from 2 submitters: Uncertain significance (2). Last evaluated 2025-12-22.

Conditions:
Inborn genetic diseases. Identifiers: MedGen C0950123, MeSH D030342.

Allele frequency attached by ClinVar (database versions not stated): gnomAD 0.00001.

Submissions (2):

Ambry Genetics
Classification: Uncertain significance for Inborn genetic diseases. Last evaluated: 2025-12-22. Review status: criteria provided, single submitter. Criteria: Ambry Variant Classification Scheme 2023. Collection method: clinical testing. Allele origin: germline.
Comment: The c.3994A>G (p.M1332V) alteration is located in exon 34 (coding exon 34) of the POLA1 gene. This alteration results from a A to G substitution at nucleotide position 3994, causing the methionine (M) at amino acid position 1332 to be replaced by a valine (V). Based on data from gnomAD, the G allele has an overall frequency of 0.005% (1/21922) total alleles studied. The highest observed frequency was 0.017% (1/5909) of African alleles. Based on insufficient or conflicting evidence, the clinical significance of this alteration remains unclear.

Labcorp Genetics (formerly Invitae), Labcorp
Classification: Uncertain significance. Last evaluated: 2025-04-30. Review status: criteria provided, single submitter. Criteria: Invitae Variant Classification Sherloc (09022015). Collection method: clinical testing. Allele origin: germline.
Comment: This sequence change replaces methionine, which is neutral and non-polar, with valine, which is neutral and non-polar, at codon 1332 of the POLA1 protein (p.Met1332Val). This variant is present in population databases (no rsID available, gnomAD 0.02%). This variant has not been reported in the literature in individuals affected with POLA1-related conditions. ClinVar contains an entry for this variant (Variation ID: 2718951). Invitae Evidence Modeling of protein sequence and biophysical properties (such as structural, functional, and spatial information, amino acid conservation, physicochemical variation, residue mobility, and thermodynamic stability) indicates that this missense variant is not expected to disrupt POLA1 protein function with a negative predictive value of 80%. In summary, the available evidence is currently insufficient to determine the role of this variant in disease. Therefore, it has been classified as a Variant of Uncertain Significance.

NM_001330360.2(POLA1):c.4012A>G (p.Met1338Val)

Gene: POLA1 (DNA polymerase alpha 1, catalytic subunit; plus strand). Cytogenetic location: Xp22.11.
Variant type: single nucleotide variant.
Coding change: c.4012A>G on transcript NM_001330360.2 (MANE Select); coding-DNA position 4012, A replaced by G.
Protein change: p.Met1338Val; replaces methionine 1338 with valine.
Molecular consequence: missense variant. On other transcripts: non-coding transcript variant (2).
Genome position (GRCh38, 1-based): chrX:24,843,642, A>G. VCF-style: chrX-24843642-A-G. GRCh37 (hg19) VCF-style: chrX-24861759-A-G.
Other names: c.3937A>G, p.Met1313Val (NM_001378303.1); c.3994A>G, p.Met1332Val (NM_016937.4); c.3994A>G (NM_016937.3); short protein forms M1332V, M1313V, M1338V.
Identifiers: ClinVar variation 2718951 (VCV002718951.4), dbSNP rs1449083592, ClinGen allele CA412608547.
Genomic context (GRCh38, chrX:24,843,642, plus strand): 5'-AACATCGATTGTAAGGCTTCACCTCTGACCTTTACAGTACAACTGAGCAACAAATTGATC[A>G]TGGACATTAGACGTTTCATTAAAAAGTACTATGATGTAAGTATCCATAATGATATTCTTA-3'
Protein context (NP_001317289.1, residues 1328-1348): FTVQLSNKLI[Met1338Val]DIRRFIKKYY